The following is an entry in ClinVar:

ClinVar aggregate classification (germline): Likely benign (1 of 4 stars; one submission).

Submission:

CeGaT Center for Human Genetics Tuebingen
Classification: Likely benign. Last evaluated: 2025-03-01. Review status: criteria provided, single submitter. Criteria: CeGaT Center For Human Genetics Tuebingen Variant Classification Criteria Version 2. Collection method: clinical testing. Allele origin: germline. Affected: yes. Observed: 1 variant allele.
Comment: FOXD4L5: BP4

NM_001126334.1(FOXD4L5):c.204G>T (p.Ala68=)

Gene: FOXD4L5 (forkhead box D4 like 5; minus strand). Cytogenetic location: 9q21.11.
Variant type: single nucleotide variant.
Coding change: c.204G>T on transcript NM_001126334.1 (MANE Select); coding-DNA position 204, G replaced by T.
Protein change: p.Ala68=; no amino-acid change (alanine 68 retained).
Molecular consequence: synonymous variant.
Genome position (GRCh38, 1-based): chr9:65,284,174, C>A on the plus strand (G>T on the coding strand, the complement: FOXD4L5 is on the minus strand). VCF-style: chr9-65284174-C-A. GRCh37 (hg19) VCF-style: chr9-70177780-C-A.
Identifiers: ClinVar variation 3778041 (VCV003778041.7).